The following is an entry in ClinVar:

ClinVar aggregate classification (germline): Conflicting classifications of pathogenicity. Review status: criteria provided, conflicting classifications (1 of 4 stars). 3 submissions from 2 submitters: Uncertain significance (2); Benign (1). Last evaluated 2023-03-01.

Conditions:
Catecholaminergic polymorphic ventricular tachycardia 1. Also called: RYR2-Related Catecholaminergic Polymorphic Ventricular Tachycardia; VENTRICULAR TACHYCARDIA, CATECHOLAMINERGIC POLYMORPHIC, 1, WITH OR WITHOUT ATRIAL DYSFUNCTION AND/OR DILATED CARDIOMYOPATHY; VENTRICULAR TACHYCARDIA, STRESS-INDUCED POLYMORPHIC 1. Identifiers: Orphanet 3286, MedGen C1631597, MONDO:0011484, OMIM 604772.
Arrhythmogenic right ventricular dysplasia 2. Identifiers: MedGen C1832931.

Allele frequency attached by ClinVar (database versions not stated): 1000 Genomes Project 0.00020; TOPMed 0.00153.

Submissions (3):

CeGaT Center for Human Genetics Tuebingen
Classification: Benign. Last evaluated: 2023-03-01. Review status: criteria provided, single submitter. Criteria: CeGaT Center For Human Genetics Tuebingen Variant Classification Criteria Version 2. Collection method: clinical testing. Allele origin: germline. Affected: yes. Observed: 3 variant alleles.
Comment: RYR2: BS1, BS2

Illumina Laboratory Services, Illumina
Classification: Uncertain significance for Catecholaminergic polymorphic ventricular tachycardia 1. Last evaluated: 2018-01-12. Review status: criteria provided, single submitter. Criteria: ICSL Variant Classification Criteria 13 December 2019. Collection method: clinical testing. Allele origin: germline.

Illumina Laboratory Services, Illumina
Classification: Uncertain significance for Catecholaminergic polymorphic ventricular tachycardia 1. Last evaluated: 2018-01-12. Review status: criteria provided, single submitter. Criteria: ICSL Variant Classification Criteria 13 December 2019. Collection method: clinical testing. Allele origin: germline.

NM_001035.3(RYR2):c.*711C>G

Gene: RYR2 (ryanodine receptor 2; plus strand). Cytogenetic location: 1q43.
Variant type: single nucleotide variant.
Coding change: c.*711C>G on transcript NM_001035.3 (MANE Select); 711 bases downstream of the stop codon, C replaced by G.
Molecular consequence: 3 prime UTR variant.
Genome position (GRCh38, 1-based): chr1:237,833,358, C>G. VCF-style: chr1-237833358-C-G. GRCh37 (hg19) VCF-style: chr1-237996658-C-G.
Other names: c.*711C>G (LRG_402t1).
Identifiers: ClinVar variation 296794 (VCV000296794.34), dbSNP rs544493822, ClinGen allele CA10610667.